The following is an entry in ClinVar:

ClinVar aggregate classification (germline): Uncertain significance (1 of 4 stars; one submission).

Allele frequency attached by ClinVar (database versions not stated): gnomAD exomes below 0.00001; ExAC 0.00001; TOPMed 0.00001; gnomAD 0.00002.
gnomAD v4.1: 6 of 1,613,544 alleles (0.00037%); highest among the groups gnomAD compares: African/African-American, 0.0067%; no homozygotes.

Submission:

GeneDx
Classification: Uncertain significance. Last evaluated: 2022-03-10. Review status: criteria provided, single submitter. Criteria: GeneDx Variant Classification Process June 2021. Collection method: clinical testing. Allele origin: germline. Affected: yes.
Comment: In silico analysis supports that this missense variant has a deleterious effect on protein structure/function; Has not been previously published as pathogenic or benign to our knowledge

NM_000996.4(RPL35A):c.196A>C (p.Lys66Gln)

Genes: DRC9 (dynein regulatory complex subunit 9; minus strand), RPL35A (ribosomal protein L35a; plus strand). Cytogenetic location: 3q29.
Variant type: single nucleotide variant.
Coding change: c.196A>C on transcript NM_000996.4 (MANE Select); coding-DNA position 196, A replaced by C.
Protein change: p.Lys66Gln; replaces lysine 66 with glutamine.
Molecular consequence: missense variant. On other transcripts: intron variant (3).
Genome position (GRCh38, 1-based): chr3:197,954,034, A>C. VCF-style: chr3-197954034-A-C. GRCh37 (hg19) VCF-style: chr3-197680905-A-C.
Other names: c.196A>C, p.Lys66Gln (NM_001316311.2); c.-50+5495T>G (NM_001323028.2); c.-60+5495T>G (NM_032263.5); c.-375+5495T>G (NM_001323029.2); short protein forms K66Q.
Identifiers: ClinVar variation 1704655 (VCV001704655.2), dbSNP rs745423132, ClinGen allele CA2789208.
Genomic context (GRCh38, chr3:197,954,034, plus strand): 5'-ATTCCTCTTCTTTCCCTTTTTAAAATCAGCAACACAGTCACTCCTGGCGGCAAACCAAAC[A>C]AAACCAGAGTCATCTGGGGAAAAGTAACTCGGGCCCATGGAAACAGTGGCATGGTTCGTG-3'
Protein context (NP_000987.2, residues 56-76): NTVTPGGKPN[Lys66Gln]TRVIWGKVTR